The following is an entry in ClinVar:

ClinVar aggregate classification (germline): Likely benign. Review status: criteria provided, single submitter (1 of 4 stars). 2 submissions from 2 submitters: Likely benign (1). 1 of the submissions does not count toward it. Last evaluated 2025-12-13.

Conditions:
LAMA3-related disorder. Also called: LAMA3-related condition; LAMA3-related disorders.

Allele frequency attached by ClinVar (database versions not stated): gnomAD 0.00002; ExAC 0.00004; gnomAD exomes 0.00004.
gnomAD v4.1: 25 of 1,589,968 alleles (0.0016%); highest among the groups gnomAD compares: South Asian, 0.025%; no homozygotes.

Submissions (2):

Labcorp Genetics (formerly Invitae), Labcorp
Classification: Likely benign. Last evaluated: 2025-12-13. Review status: criteria provided, single submitter. Criteria: Invitae Variant Classification Sherloc (09022015). Collection method: clinical testing. Allele origin: germline.

PreventionGenetics, part of Exact Sciences
Classification: Likely benign for LAMA3-related condition. Last evaluated: 2021-03-19. Review status: no assertion criteria provided. Collection method: clinical testing. Allele origin: germline. Not counted in ClinVar's aggregate classification.
Comment: This variant is classified as likely benign based on ACMG/AMP sequence variant interpretation guidelines (Richards et al. 2015 PMID: 25741868, with internal and published modifications).

NM_198129.4(LAMA3):c.4999-9G>A

Gene: LAMA3 (laminin subunit alpha 3; plus strand). Cytogenetic location: 18q11.2.
Variant type: single nucleotide variant.
Coding change: c.4999-9G>A on transcript NM_198129.4 (MANE Select); 9 bases into the intron before coding-DNA position 4999, G replaced by A.
Molecular consequence: intron variant.
Genome position (GRCh38, 1-based): chr18:23,876,285, G>A. VCF-style: chr18-23876285-G-A. GRCh37 (hg19) VCF-style: chr18-21456249-G-A.
Other names: c.172-9G>A (NM_000227.4, NM_000227.6, NM_001127718.4); c.4999-9G>A (NM_001127717.4).
Identifiers: ClinVar variation 1569312 (VCV001569312.10), dbSNP rs774043001, ClinGen allele CA8915859.